The following is an entry in ClinVar:

NM_018062.4(FANCL):c.662G>A (p.Arg221Gln)

Gene: FANCL (FA complementation group L; minus strand). Cytogenetic location: 2p16.1.
Variant type: single nucleotide variant.
Coding change: c.662G>A on transcript NM_018062.4 (MANE Select); coding-DNA position 662, G replaced by A.
Protein change: p.Arg221Gln; replaces arginine 221 with glutamine.
Molecular consequence: missense variant.
Genome position (GRCh38, 1-based): chr2:58,165,753, C>T on the plus strand (G>A on the coding strand, the complement: FANCL is on the minus strand). VCF-style: chr2-58165753-C-T. GRCh37 (hg19) VCF-style: chr2-58392888-C-T.
Other names: c.677G>A, p.Arg226Gln (NM_001114636.2); c.707G>A, p.Arg236Gln (NM_001374615.1); c.722G>A, p.Arg241Gln (NM_001410792.1); short protein forms R221Q, R226Q, R236Q, R241Q.
Identifiers: ClinVar variation 847507 (VCV000847507.7), dbSNP rs761742545, ClinGen allele CA1670530.
Genomic context (GRCh38, chr2:58,165,753, plus strand): 5'-AAAACAAACCCTTAATCCTCCTTGTCCCTACCTAATGCAATTCTGCGTGCTGTTGCACTC[C>T]GTGGAGGTTTTTCTGGCTCAAGTACCCAGGTCTTCTCATCGATTTCATCCATAACATCCC-3'
Protein context (NP_060532.2, residues 211-231): TWVLEPEKPP[Arg221Gln]SATARRIALG

ClinVar aggregate classification (germline): Uncertain significance. Review status: criteria provided, multiple submitters, no conflicts (2 of 4 stars). 3 submissions from 3 submitters: Uncertain significance (3). Last evaluated 2023-10-26.

Conditions:
Fanconi anemia (FA). Also called: Fanconi's anemia. Identifiers: Orphanet 84, MedGen C0015625, MeSH D005199, MONDO:0019391.
Fanconi anemia complementation group L (FANCL). Also called: FANCL-Related Fanconi Anemia. Identifiers: Orphanet 84, MedGen C3469528, MONDO:0013566, OMIM 614083.

Allele frequency attached by ClinVar (database versions not stated): gnomAD exomes below 0.00001 and 0.00001; ExAC 0.00001.
gnomAD v4.1: 5 of 1,614,016 alleles (0.00031%); highest among the groups gnomAD compares: South Asian, 0.0022%; no homozygotes.

Submissions (3):

Blueprint Genetics
Classification: Uncertain significance. Last evaluated: 2023-10-26. Review status: criteria provided, single submitter. Criteria: ACMG Guidelines, 2015. Collection method: clinical testing. Allele origin: germline.

Labcorp Genetics (formerly Invitae), Labcorp
Classification: Uncertain significance for Fanconi anemia. Last evaluated: 2022-08-23. Review status: criteria provided, single submitter. Criteria: Invitae Variant Classification Sherloc (09022015). Collection method: clinical testing. Allele origin: germline.
Comment: This sequence change replaces arginine, which is basic and polar, with glutamine, which is neutral and polar, at codon 221 of the FANCL protein (p.Arg221Gln). This variant is present in population databases (rs761742545, gnomAD 0.003%). This variant has not been reported in the literature in individuals affected with FANCL-related conditions. ClinVar contains an entry for this variant (Variation ID: 847507). Algorithms developed to predict the effect of missense changes on protein structure and function are either unavailable or do not agree on the potential impact of this missense change (SIFT: "Tolerated"; PolyPhen-2: "Possibly Damaging"; Align-GVGD: "Class C0"). In summary, the available evidence is currently insufficient to determine the role of this variant in disease. Therefore, it has been classified as a Variant of Uncertain Significance.

Fulgent Genetics
Classification: Uncertain significance for Fanconi anemia complementation group L. Last evaluated: 2022-01-03. Review status: criteria provided, single submitter. Criteria: ACMG Guidelines, 2015. Collection method: clinical testing. Allele origin: unknown.